The following is an entry in ClinVar:

NM_177965.4(CFAP418):c.308+4A>G

Gene: CFAP418 (cilia and flagella associated protein 418; minus strand). Cytogenetic location: 8q22.1.
Variant type: single nucleotide variant.
Coding change: c.308+4A>G on transcript NM_177965.4 (MANE Select); 4 bases into the intron after coding-DNA position 308, A replaced by G.
Molecular consequence: intron variant.
Genome position (GRCh38, 1-based): chr8:95,260,464, T>C on the plus strand (A>G on the coding strand, the complement: CFAP418 is on the minus strand). VCF-style: chr8-95260464-T-C. GRCh37 (hg19) VCF-style: chr8-96272692-T-C.
Other names: c.308+4A>G (NM_001363260.1).
Identifiers: ClinVar variation 1933136 (VCV001933136.5), dbSNP rs1811868135, ClinGen allele CA1803877989.

ClinVar aggregate classification (germline): Uncertain significance (1 of 4 stars; one submission).

Allele frequency attached by ClinVar (database versions not stated): TOPMed below 0.00001.
gnomAD v4.1: 1 of 1,581,898 alleles (0.000063%); highest among the groups gnomAD compares: Non-Finnish European, 0.000086%; no homozygotes.

Submission:

Labcorp Genetics (formerly Invitae), Labcorp
Classification: Uncertain significance. Last evaluated: 2024-06-03. Review status: criteria provided, single submitter. Criteria: Invitae Variant Classification Sherloc (09022015). Collection method: clinical testing. Allele origin: germline.
Comment: This sequence change falls in intron 3 of the C8orf37 gene. It does not directly change the encoded amino acid sequence of the C8orf37 protein. It affects a nucleotide within the consensus splice site. This variant is not present in population databases (gnomAD no frequency). This variant has not been reported in the literature in individuals affected with C8orf37-related conditions. ClinVar contains an entry for this variant (Variation ID: 1933136). Variants that disrupt the consensus splice site are a relatively common cause of aberrant splicing (PMID: 17576681, 9536098). Algorithms developed to predict the effect of sequence changes on RNA splicing suggest that this variant is not likely to affect RNA splicing. In summary, the available evidence is currently insufficient to determine the role of this variant in disease. Therefore, it has been classified as a Variant of Uncertain Significance.

Literature cited by the submitters: PubMed 17576681; PubMed 9536098.